The following is an entry in ClinVar:

NM_001110556.2(FLNA):c.7043A>G (p.Asn2348Ser)

Gene: FLNA (filamin A; minus strand). Cytogenetic location: Xq28.
Variant type: single nucleotide variant.
Coding change: c.7043A>G on transcript NM_001110556.2 (MANE Select); coding-DNA position 7043, A replaced by G.
Protein change: p.Asn2348Ser; replaces asparagine 2348 with serine.
Molecular consequence: missense variant.
Genome position (GRCh38, 1-based): chrX:154,351,022, T>C on the plus strand (A>G on the coding strand, the complement: FLNA is on the minus strand). VCF-style: chrX-154351022-T-C. GRCh37 (hg19) VCF-style: chrX-153579390-T-C.
Other names: c.7019A>G, p.Asn2340Ser (NM_001456.4); short protein forms N2340S, N2348S.
Identifiers: ClinVar variation 533583 (VCV000533583.10), dbSNP rs1557175657, ClinGen allele CA415185278.

ClinVar aggregate classification (germline): Uncertain significance (1 of 4 stars; one submission).

Conditions:
Melnick-Needles syndrome (MNS). Also called: MELNICK-NEEDLES OSTEODYSPLASTY; Melnick-Needles Syndrome (FLNA-MNS); OSTEODYSPLASTY OF MELNICK AND NEEDLES. Identifiers: Orphanet 2484, MedGen C0025237, MONDO:0010650, OMIM 309350.
Frontometaphyseal dysplasia (FMD1). Identifiers: Orphanet 1826, MedGen C0265293, MONDO:0015942.
Heterotopia, periventricular, X-linked dominant (PVNH1). Also called: PERIVENTRICULAR NODULAR HETEROTOPIA 4; HETEROTOPIA, PERIVENTRICULAR, 1; PERIVENTRICULAR NODULAR HETEROTOPIA 1; X-linked periventricular heterotopia. Identifiers: Orphanet 2149, Orphanet 82004, MedGen C1848213, MONDO:0010233, OMIM 300049.
Oto-palato-digital syndrome, type II (OPD2). Also called: Otopalatodigital Syndrome Type 2 (FLNA-OPD2); FACIOPALATOOSSEOUS SYNDROME; OPD II SYNDROME; Otopalatodigital Syndrome, Type II. Identifiers: Orphanet 669, Orphanet 90652, MedGen C1844696, MONDO:0010571, OMIM 304120.

Allele frequency attached by ClinVar (database versions not stated): gnomAD exomes below 0.00001.
gnomAD v4.1: 3 of 1,211,540 alleles (0.00025%); highest among the groups gnomAD compares: Middle Eastern, 0.023%; no homozygotes.

Submission:

Labcorp Genetics (formerly Invitae), Labcorp
Classification: Uncertain significance for Oto-palato-digital syndrome, type II; Heterotopia, periventricular, X-linked dominant; Frontometaphyseal dysplasia; Melnick-Needles syndrome. Last evaluated: 2023-12-09. Review status: criteria provided, single submitter. Criteria: Invitae Variant Classification Sherloc (09022015). Collection method: clinical testing. Allele origin: germline.
Comment: This sequence change replaces asparagine, which is neutral and polar, with serine, which is neutral and polar, at codon 2340 of the FLNA protein (p.Asn2340Ser). This variant is not present in population databases (gnomAD no frequency). This variant has not been reported in the literature in individuals affected with FLNA-related conditions. ClinVar contains an entry for this variant (Variation ID: 533583). Advanced modeling of protein sequence and biophysical properties (such as structural, functional, and spatial information, amino acid conservation, physicochemical variation, residue mobility, and thermodynamic stability) performed at Invitae indicates that this missense variant is not expected to disrupt FLNA protein function with a negative predictive value of 95%. In summary, the available evidence is currently insufficient to determine the role of this variant in disease. Therefore, it has been classified as a Variant of Uncertain Significance.